The following is an entry in ClinVar:

ClinVar aggregate classification (germline): Pathogenic (0 of 4 stars; one submission).

Conditions:
Disproportionate short stature. Identifiers: MedGen C0878659, HP:0003498.

Allele frequency attached by ClinVar (database versions not stated): gnomAD exomes below 0.00001.
gnomAD v4.1: 1 of 1,614,190 alleles (0.000062%); highest among the groups gnomAD compares: Non-Finnish European, 0.000085%; no homozygotes.

Submission:

Department of Endocrinology and Genetics, Fuzhou Children’s Hospital of Fujian Medical University
Classification: Pathogenic for Disproportionate short stature. Last evaluated: 2022-03-17. Review status: no assertion criteria provided. Collection method: clinical testing. Allele origin: de novo. Inheritance: Autosomal dominant inheritance. Affected: yes.
Comment: A spinal X-ray revealed slight lumbar scoliosis . Additionally, in vitro functional studies indicate that the Leu527Phe variant has 38.2% cGMP production capacity of wild-type, while the heterozygous variant WT/Leu527Phe retained 50.2% of activity VS. wild-type.

Literature cited by the submitters: PubMed 35741827.

NM_003995.4(NPR2):c.1579C>T (p.Leu527Phe)

Gene: NPR2 (natriuretic peptide receptor 2; plus strand). Cytogenetic location: 9p13.3.
Variant type: single nucleotide variant.
Coding change: c.1579C>T on transcript NM_003995.4 (MANE Select); coding-DNA position 1579, C replaced by T.
Protein change: p.Leu527Phe; replaces leucine 527 with phenylalanine.
Molecular consequence: missense variant.
Genome position (GRCh38, 1-based): chr9:35,801,947, C>T. VCF-style: chr9-35801947-C-T. GRCh37 (hg19) VCF-style: chr9-35801944-C-T.
Other names: c.1588C>T, p.Leu530Phe (NM_001378923.1); short protein forms L527F, L530F.
Identifiers: ClinVar variation 1693277 (VCV001693277.2), dbSNP rs2132082177, ClinGen allele CA373373230.
Genomic context (GRCh38, chr9:35,801,947, plus strand): 5'-CCTTTCATCCTTCCGCCTCCATGTTGCCCTTGGCCCCAGCGGGGATCCAGTTACGGCTCG[C>T]TCATGACAGCCCATGGGAAATACCAGATCTTTGCCAACACCGGTCACTTCAAGGTGAACA-3'
Protein context (NP_003986.2, residues 517-537): LSLRGSSYGS[Leu527Phe]MTAHGKYQIF